The following is an entry in ClinVar:

NM_014845.6(FIG4):c.848G>A (p.Arg283His)

Gene: FIG4 (FIG4 phosphoinositide 5-phosphatase; plus strand). Cytogenetic location: 6q21.
Variant type: single nucleotide variant.
Coding change: c.848G>A on transcript NM_014845.6 (MANE Select); coding-DNA position 848, G replaced by A.
Protein change: p.Arg283His; replaces arginine 283 with histidine.
Molecular consequence: missense variant.
Genome position (GRCh38, 1-based): chr6:109,741,516, G>A. VCF-style: chr6-109741516-G-A. GRCh37 (hg19) VCF-style: chr6-110062719-G-A.
Other names: short protein forms R283H.
Identifiers: ClinVar variation 577137 (VCV000577137.9), dbSNP rs1562655830, ClinGen allele CA365221359.

ClinVar aggregate classification (germline): Uncertain significance. Review status: criteria provided, multiple submitters, no conflicts (2 of 4 stars). 2 submissions from 2 submitters: Uncertain significance (2). Last evaluated 2019-03-06.

Conditions:
Charcot-Marie-Tooth disease type 4. Also called: Charcot-Marie-Tooth disease, type IV; Charcot-Marie-Tooth, Type 4. Identifiers: Orphanet 64749, MedGen C4082197, MONDO:0018995.

Allele frequency attached by ClinVar (database versions not stated): gnomAD exomes below 0.00001.
gnomAD v4.1: 2 of 1,612,052 alleles (0.00012%); highest among the groups gnomAD compares: East Asian, 0.0022%; no homozygotes.

Submissions (2):

Athena Diagnostics
Classification: Uncertain significance. Last evaluated: 2019-03-06. Review status: criteria provided, single submitter. Criteria: Athena Diagnostics Criteria. Collection method: clinical testing. Allele origin: germline.

Labcorp Genetics (formerly Invitae), Labcorp
Classification: Uncertain significance for Charcot-Marie-Tooth disease type 4. Last evaluated: 2018-02-23. Review status: criteria provided, single submitter. Criteria: Invitae Variant Classification Sherloc (09022015). Collection method: clinical testing. Allele origin: germline.
Comment: In summary, the available evidence is currently insufficient to determine the role of this variant in disease. Therefore, it has been classified as a Variant of Uncertain Significance. Algorithms developed to predict the effect of missense changes on protein structure and function do not agree on the potential impact of this missense change (SIFT: "Deleterious"; PolyPhen-2: "Probably Damaging"; Align-GVGD: "Class C0"). This variant has not been reported in the literature in individuals with FIG4-related disease. This variant is not present in population databases (ExAC no frequency). This sequence change replaces arginine with histidine at codon 283 of the FIG4 protein (p.Arg283His). The arginine residue is highly conserved and there is a small physicochemical difference between arginine and histidine.